The following is an entry in ClinVar:

ClinVar aggregate classification (germline): Uncertain significance (1 of 4 stars; one submission).

Submission:

Labcorp Genetics (formerly Invitae), Labcorp
Classification: Uncertain significance. Last evaluated: 2022-02-10. Review status: criteria provided, single submitter. Criteria: Invitae Variant Classification Sherloc (09022015). Collection method: clinical testing. Allele origin: germline.
Comment: In summary, the available evidence is currently insufficient to determine the role of this variant in disease. Therefore, it has been classified as a Variant of Uncertain Significance. Algorithms developed to predict the effect of missense changes on protein structure and function output the following: SIFT: "Tolerated"; PolyPhen-2: "Benign"; Align-GVGD: "Class C0". The valine amino acid residue is found in multiple mammalian species, which suggests that this missense change does not adversely affect protein function. This variant has not been reported in the literature in individuals affected with POLE-related conditions. This variant is not present in population databases (gnomAD no frequency). This sequence change replaces phenylalanine, which is neutral and non-polar, with valine, which is neutral and non-polar, at codon 2175 of the POLE protein (p.Phe2175Val).

NM_006231.4(POLE):c.6523T>G (p.Phe2175Val)

Gene: POLE (DNA polymerase epsilon, catalytic subunit; minus strand). Cytogenetic location: 12q24.33.
Variant type: single nucleotide variant.
Coding change: c.6523T>G on transcript NM_006231.4 (MANE Select); coding-DNA position 6523, T replaced by G.
Protein change: p.Phe2175Val; replaces phenylalanine 2175 with valine.
Molecular consequence: missense variant.
Genome position (GRCh38, 1-based): chr12:132,626,125, A>C on the plus strand (T>G on the coding strand, the complement: POLE is on the minus strand). VCF-style: chr12-132626125-A-C. GRCh37 (hg19) VCF-style: chr12-133202711-A-C.
Other names: short protein forms F2175V.
Identifiers: ClinVar variation 2096035 (VCV002096035.4), dbSNP rs773742930, ClinGen allele CA387367107.